The following is an entry in ClinVar:

ClinVar aggregate classification (germline): Uncertain significance (1 of 4 stars; one submission).

gnomAD v4.1: 7 of 1,599,254 alleles (0.00044%); highest among the groups gnomAD compares: Non-Finnish European, 0.0006%; no homozygotes.

Submission:

Labcorp Genetics (formerly Invitae), Labcorp
Classification: Uncertain significance. Last evaluated: 2025-06-17. Review status: criteria provided, single submitter. Criteria: Invitae Variant Classification Sherloc (09022015). Collection method: clinical testing. Allele origin: germline.
Comment: This sequence change affects a donor splice site in intron 6 of the MFAP5 gene. It is expected to disrupt RNA splicing. Variants that disrupt the donor or acceptor splice site typically lead to a loss of protein function (PMID: 16199547), however the current clinical and genetic evidence is not sufficient to establish whether loss-of-function variants in MFAP5 cause disease. This variant is present in population databases (no rsID available, gnomAD 0.007%). Disruption of this splice site has been observed in individual(s) with clinical features of MFAP5-related conditions (internal data). ClinVar contains an entry for this variant (Variation ID: 3704946). Algorithms developed to predict the effect of sequence changes on RNA splicing suggest that this variant may disrupt the consensus splice site. In summary, the available evidence is currently insufficient to determine the role of this variant in disease. Therefore, it has been classified as a Variant of Uncertain Significance.

Literature cited by the submitters: PubMed 16199547.

NM_003480.4(MFAP5):c.217+2T>A

Gene: MFAP5 (microfibril associated protein 5; minus strand). Cytogenetic location: 12p13.31.
Variant type: single nucleotide variant.
Coding change: c.217+2T>A on transcript NM_003480.4 (MANE Select); the canonical splice donor site of the intron after coding-DNA position 217, T replaced by A.
Molecular consequence: splice donor variant. On other transcripts: intron variant (1).
Genome position (GRCh38, 1-based): chr12:8,654,435, A>T on the plus strand (T>A on the coding strand, the complement: MFAP5 is on the minus strand). VCF-style: chr12-8654435-A-T. GRCh37 (hg19) VCF-style: chr12-8807031-A-T.
Other names: c.181+2T>A (NM_001297710.2); c.172+980T>A (NM_001297711.2); c.217+2T>A (NM_001297712.2, NM_001297709.2).
Identifiers: ClinVar variation 3704946 (VCV003704946.2).